The following is an entry in ClinVar:

NM_000257.4(MYH7):c.5488C>A (p.Gln1830Lys)

Gene: MYH7 (myosin heavy chain 7; minus strand). Cytogenetic location: 14q11.2.
Variant type: single nucleotide variant.
Coding change: c.5488C>A on transcript NM_000257.4 (MANE Select); coding-DNA position 5488, C replaced by A.
Protein change: p.Gln1830Lys; replaces glutamine 1830 with lysine.
Molecular consequence: missense variant.
Genome position (GRCh38, 1-based): chr14:23,415,066, G>T on the plus strand (C>A on the coding strand, the complement: MYH7 is on the minus strand). VCF-style: chr14-23415066-G-T. GRCh37 (hg19) VCF-style: chr14-23884275-G-T.
Other names: c.5488C>A, p.Gln1830Lys (NM_001407004.1); short protein forms Q1830K.
Identifiers: ClinVar variation 3072992 (VCV003072992.1), dbSNP rs2502238822, ClinGen allele CA389035157.
Genomic context (GRCh38, chr14:23,415,066, plus strand): 5'-GCTCCTTGATGCGCCGCTCGCTCTTCCTCATGCCCTTCACCGACTCTGCGTTGCGCTTCT[G>T]CTCGGCCTCCAGCTCATTCTCCAGCTCCCGCACCCGCGCTTCCAGCTTCTGCAGCTGCTT-3'
Protein context (NP_000248.2, residues 1820-1840): RELENELEAE[Gln1830Lys]KRNAESVKGM

ClinVar aggregate classification (germline): Uncertain significance (1 of 4 stars; one submission).

Conditions:
Cardiomyopathy (CMYO). Also called: Cardiomyopathies. Identifiers: Orphanet 167848, MedGen C0878544, MONDO:0004994, HP:0001638. Inheritance: Various modes of inheritance.

Submission:

All of Us Research Program, National Institutes of Health
Classification: Uncertain significance for Cardiomyopathy. Last evaluated: 2023-08-15. Review status: criteria provided, single submitter. Criteria: ACMG Guidelines, 2015. Collection method: clinical testing. Allele origin: germline. Inheritance: Autosomal dominant inheritance. Observed: 1 variant allele, 1 heterozygote.
Comment: This missense variant replaces glutamine with lysine at codon 1830 of the MYH7 protein. Computational prediction is inconclusive regarding the impact of this variant on protein structure and function (internally defined REVEL score threshold 0.5 < inconclusive < 0.7, PMID: 27666373). To our knowledge, functional studies have not been reported for this variant. This variant has not been reported in individuals affected with MYH7-related disorders in the literature. This variant has not been identified in the general population by the Genome Aggregation Database (gnomAD). The available evidence is insufficient to determine the role of this variant in disease conclusively. Therefore, this variant is classified as a Variant of Uncertain Significance.

This study involves interpretation of variants in research participants for the purpose of population health screening. Participant phenotype was not available at the time of variant classification. Additional details can be found in publication PMID: 35346344, PMCID: PMC8962531